The following is an entry in ClinVar:

NM_000051.4(ATM):c.8783G>A (p.Arg2928Lys)

Genes: ATM (ATM serine/threonine kinase; plus strand), C11orf65 (chromosome 11 open reading frame 65; minus strand). Cytogenetic location: 11q22.3.
Variant type: single nucleotide variant.
Coding change: c.8783G>A on transcript NM_000051.4 (MANE Select); coding-DNA position 8783, G replaced by A.
Protein change: p.Arg2928Lys; replaces arginine 2928 with lysine.
Molecular consequence: missense variant. On other transcripts: intron variant (2).
Genome position (GRCh38, 1-based): chr11:108,353,877, G>A. VCF-style: chr11-108353877-G-A. GRCh37 (hg19) VCF-style: chr11-108224604-G-A.
Other names: c.695-18585C>T (NM_001351110.2); c.8783G>A, p.Arg2928Lys (NM_001351834.2); c.640+32043C>T (NM_001330368.2); short protein forms R2928K.
Identifiers: ClinVar variation 480876 (VCV000480876.21), dbSNP rs1555142909, ClinGen allele CA382524396.
Genomic context (GRCh38, chr11:108,353,877, plus strand): 5'-TTAGACTCACCAGAGATATTGTGGATGGCATGGGCATTACGGGTGTTGAAGGTGTCTTCA[G>A]AAGGTAAGTGATATGAAGTAAAGGAGGGAAATAATTTTTGATGTCAAAATTACATGGGCT-3'
Protein context (NP_000042.3, residues 2918-2938): MGITGVEGVF[Arg2928Lys]RCCEKTMEVM

ClinVar aggregate classification (germline): Uncertain significance. Review status: criteria provided, multiple submitters, no conflicts (2 of 4 stars). 5 submissions from 5 submitters: Uncertain significance (5). Last evaluated 2023-10-22.

Conditions:
Hereditary cancer-predisposing syndrome. Also called: Neoplastic Syndromes, Hereditary; Hereditary Cancer Syndrome; Tumor predisposition; Hereditary neoplastic syndrome. Identifiers: Orphanet 140162, MedGen C0027672, MeSH D009386, MONDO:0015356.
Ataxia-telangiectasia syndrome (AT). Also called: LOUIS-BAR SYNDROME; Cerebello-oculocutaneous telangiectasia; Immunodeficiency with ataxia telangiectasia; Ataxia-telangiectasia, complementation group D; AT, COMPLEMENTATION GROUP C; Ataxia-telangiectasia, complementation group E. Identifiers: Orphanet 100, MedGen C0004135, MONDO:0008840, OMIM 208900.
Familial cancer of breast. Also called: Hereditary breast cancer; BREAST CANCER, FAMILIAL; hereditary breast carcinoma. Identifiers: Orphanet 227535, MedGen C0346153, MONDO:0016419, OMIM 114480. Disease mechanism: loss of function.

Submissions (5):

Baylor Genetics
Classification: Uncertain significance for Familial cancer of breast. Last evaluated: 2023-10-22. Review status: criteria provided, single submitter. Criteria: ACMG Guidelines, 2015. Collection method: clinical testing. Allele origin: unknown.

Labcorp Genetics (formerly Invitae), Labcorp
Classification: Uncertain significance for Ataxia-telangiectasia syndrome. Last evaluated: 2022-03-27. Review status: criteria provided, single submitter. Criteria: Invitae Variant Classification Sherloc (09022015). Collection method: clinical testing. Allele origin: germline.
Comment: In summary, the available evidence is currently insufficient to determine the role of this variant in disease. Therefore, it has been classified as a Variant of Uncertain Significance. Algorithms developed to predict the effect of missense changes on protein structure and function (SIFT, PolyPhen-2, Align-GVGD) all suggest that this variant is likely to be disruptive. ClinVar contains an entry for this variant (Variation ID: 480876). This variant has not been reported in the literature in individuals affected with ATM-related conditions. This variant is not present in population databases (gnomAD no frequency). This sequence change replaces arginine, which is basic and polar, with lysine, which is basic and polar, at codon 2928 of the ATM protein (p.Arg2928Lys).

Color Diagnostics, LLC DBA Color Health
Classification: Uncertain significance for Hereditary cancer-predisposing syndrome. Last evaluated: 2022-02-17. Review status: criteria provided, single submitter. Criteria: ACMG Guidelines, 2015. Collection method: clinical testing. Allele origin: germline.
Comment: This missense variant replaces arginine with lysine at codon 2928 of the ATM protein. Computational prediction is inconclusive regarding the impact of this variant on protein structure and function (internally defined REVEL score threshold 0.5 < inconclusive < 0.7, PMID: 27666373). To our knowledge, functional studies have not been reported for this variant. This variant has not been reported in individuals affected with hereditary cancer in the literature. This variant has not been identified in the general population by the Genome Aggregation Database (gnomAD). The available evidence is insufficient to determine the role of this variant in disease conclusively. Therefore, this variant is classified as a Variant of Uncertain Significance.

Sema4
Classification: Uncertain significance for Hereditary cancer-predisposing syndrome. Last evaluated: 2021-09-25. Review status: criteria provided, single submitter. Criteria: Sema4 Curation Guidelines. Collection method: curation. Allele origin: germline.
Comment: The ATM c.8783G>A (p.R2928K) variant has been reported in heterozygosity in at least one individual with metastatic or recurrent prostate cancer (PMID: 29368341). It was not observed in the large and broad cohorts of the Genome Aggregation Database (PMID: 32461654). This variant has been reported in ClinVar (Variation ID 480876). Functional studies have not been performed, and in silico predictions of the variant's effect on protein function are inconclusive. The evidence is insufficient to meet ACMG/AMP criteria for classifying the variant as benign or pathogenic. Thus, the clinical significance of this variant is currently uncertain.

Ambry Genetics
Classification: Uncertain significance for Hereditary cancer-predisposing syndrome. Last evaluated: 2018-05-04. Review status: criteria provided, single submitter. Criteria: Ambry Variant Classification Scheme 2023. Collection method: clinical testing. Allele origin: germline.
Comment: The p.R2928K variant (also known as c.8783G>A), located in coding exon 59 of the ATM gene, results from a G to A substitution at nucleotide position 8783. The arginine at codon 2928 is replaced by lysine, an amino acid with highly similar properties. This amino acid position is highly conserved in available vertebrate species. In addition, this alteration is predicted to be deleterious by in silico analysis. Since supporting evidence is limited at this time, the clinical significance of this alteration remains unclear.

Literature cited by the submitters: PubMed 29368341 (cited by Sema4).